The following is an entry in ClinVar:

ClinVar aggregate classification (germline): Uncertain significance (1 of 4 stars; one submission).

Conditions:
Hereditary cancer-predisposing syndrome. Also called: Tumor predisposition; Neoplastic Syndromes, Hereditary; Hereditary Cancer Syndrome; Hereditary neoplastic syndrome. Identifiers: Orphanet 140162, MedGen C0027672, MeSH D009386, MONDO:0015356.

Submission:

Ambry Genetics
Classification: Uncertain significance for Hereditary cancer-predisposing syndrome. Last evaluated: 2024-08-07. Review status: criteria provided, single submitter. Criteria: Ambry Variant Classification Scheme 2023. Collection method: clinical testing. Allele origin: germline.
Comment: The p.N488I variant (also known as c.1463A>T), located in coding exon 16 of the CDC73 gene, results from an A to T substitution at nucleotide position 1463. The asparagine at codon 488 is replaced by isoleucine, an amino acid with dissimilar properties. This amino acid position is highly conserved in available vertebrate species. In addition, the in silico prediction for this alteration is inconclusive. Based on the available evidence, the clinical significance of this variant remains unclear.

NM_024529.5(CDC73):c.1463A>T (p.Asn488Ile)

Gene: CDC73 (cell division cycle 73; plus strand). Cytogenetic location: 1q31.2.
Variant type: single nucleotide variant.
Coding change: c.1463A>T on transcript NM_024529.5 (MANE Select); coding-DNA position 1463, A replaced by T.
Protein change: p.Asn488Ile; replaces asparagine 488 with isoleucine.
Molecular consequence: missense variant.
Genome position (GRCh38, 1-based): chr1:193,249,775, A>T. VCF-style: chr1-193249775-A-T. GRCh37 (hg19) VCF-style: chr1-193218905-A-T.
Other names: short protein forms N488I.
Identifiers: ClinVar variation 3488508 (VCV003488508.1).